The following is an entry in ClinVar:

ClinVar aggregate classification (germline): Conflicting classifications of pathogenicity. Review status: criteria provided, conflicting classifications (1 of 4 stars). 2 submissions from 2 submitters: Uncertain significance (1); Likely benign (1). Last evaluated 2026-07-30.

Conditions:
Hereditary cancer-predisposing syndrome. Also called: Hereditary neoplastic syndrome; Neoplastic Syndromes, Hereditary; Tumor predisposition; Hereditary Cancer Syndrome. Identifiers: Orphanet 140162, MedGen C0027672, MeSH D009386, MONDO:0015356.
Renal cell carcinoma. Identifiers: Orphanet 217071, MedGen C0007134, MeSH D002292, MONDO:0005086, HP:0005584.

Submissions (2):

Ambry Genetics
Classification: Likely benign for Hereditary cancer-predisposing syndrome. Last evaluated: 2026-07-30. Review status: criteria provided, single submitter. Criteria: Ambry Variant Classification Scheme 2023. Collection method: clinical testing. Allele origin: germline.

Labcorp Genetics (formerly Invitae), Labcorp
Classification: Uncertain significance for Renal cell carcinoma. Last evaluated: 2025-10-25. Review status: criteria provided, single submitter. Criteria: Invitae Variant Classification Sherloc (09022015). Collection method: clinical testing. Allele origin: germline.
Comment: This sequence change replaces leucine, which is neutral and non-polar, with proline, which is neutral and non-polar, at codon 480 of the MET protein (p.Leu480Pro). This variant is not present in population databases (gnomAD no frequency). This variant has not been reported in the literature in individuals affected with MET-related conditions. ClinVar contains an entry for this variant (Variation ID: 1926840). Invitae Evidence Modeling of protein sequence and biophysical properties (such as structural, functional, and spatial information, amino acid conservation, physicochemical variation, residue mobility, and thermodynamic stability) indicates that this missense variant is not expected to disrupt MET protein function with a negative predictive value of 80%. In summary, the available evidence is currently insufficient to determine the role of this variant in disease. Therefore, it has been classified as a Variant of Uncertain Significance.

NM_000245.4(MET):c.1439T>C (p.Leu480Pro)

Gene: MET (MET proto-oncogene, receptor tyrosine kinase; plus strand). Cytogenetic location: 7q31.2.
Variant type: single nucleotide variant.
Coding change: c.1439T>C on transcript NM_000245.4 (MANE Select); coding-DNA position 1439, T replaced by C.
Protein change: p.Leu480Pro; replaces leucine 480 with proline.
Molecular consequence: missense variant.
Genome position (GRCh38, 1-based): chr7:116,739,996, T>C. VCF-style: chr7-116739996-T-C. GRCh37 (hg19) VCF-style: chr7-116380050-T-C.
Other names: c.1439T>C, p.Leu480Pro (NM_001127500.3, NM_001324401.3); c.149T>C, p.Leu50Pro (NM_001324402.2); short protein forms L480P, L50P.
Identifiers: ClinVar variation 1926840 (VCV001926840.7), dbSNP rs2116826490, ClinGen allele CA368974099.
Genomic context (GRCh38, chr7:116,739,996, plus strand): 5'-TTTTTGCTGTTTAGGTTGTGGTTTCTCGATCAGGACCATCAACCCCTCATGTGAATTTTC[T>C]CCTGGACTCCCATCCAGTGTCTCCAGAAGTGATTGTGGAGCATACATTAAACCAAAATGG-3'
Protein context (NP_000236.2, residues 470-490): SGPSTPHVNF[Leu480Pro]LDSHPVSPEV